The following is an entry in ClinVar:

NM_000051.4(ATM):c.7107A>G (p.Gly2369=)

Genes: ATM (ATM serine/threonine kinase; plus strand), C11orf65 (chromosome 11 open reading frame 65; minus strand). Cytogenetic location: 11q22.3.
Variant type: single nucleotide variant.
Coding change: c.7107A>G on transcript NM_000051.4 (MANE Select); coding-DNA position 7107, A replaced by G.
Protein change: p.Gly2369=; no amino-acid change (glycine 2369 retained).
Molecular consequence: synonymous variant. On other transcripts: intron variant (2).
Genome position (GRCh38, 1-based): chr11:108,329,038, A>G. VCF-style: chr11-108329038-A-G. GRCh37 (hg19) VCF-style: chr11-108199765-A-G.
Other names: c.7107A>G, p.Gly2369= (NM_001351834.2); c.641-19967T>C (NM_001330368.2); c.*38+6182T>C (NM_001351110.2).
Identifiers: ClinVar variation 1083344 (VCV001083344.49), dbSNP rs1057523056, ClinGen allele CA476676677.
Genomic context (GRCh38, chr11:108,329,038, plus strand): 5'-AGTATTTGTAAATATAATTTAAATTGGTTGTGTTTTCTTGAAGGCAGTAGAAGTTGCTGG[A>G]AATTATGATGGAGAAAGTAGTGATGAGCTAAGAAATGGAAAAATGAAGGCATTTCTCTCA-3'
Protein context (NP_000042.3, residues 2359-2379): TYLEKAVEVA[Gly2369=]NYDGESSDEL

ClinVar aggregate classification (germline): Benign/Likely benign. Review status: criteria provided, multiple submitters, no conflicts (2 of 4 stars). 3 submissions from 3 submitters: Benign (1); Likely benign (2). Last evaluated 2025-02-05.

Conditions:
Familial cancer of breast. Also called: Hereditary breast cancer; hereditary breast carcinoma; BREAST CANCER, FAMILIAL. Identifiers: Orphanet 227535, MedGen C0346153, MONDO:0016419, OMIM 114480. Disease mechanism: loss of function.
Hereditary cancer-predisposing syndrome. Also called: Neoplastic Syndromes, Hereditary; Tumor predisposition; Hereditary Cancer Syndrome; Hereditary neoplastic syndrome. Identifiers: Orphanet 140162, MedGen C0027672, MeSH D009386, MONDO:0015356.
Ataxia-telangiectasia syndrome (AT). Also called: Ataxia telangiectasia (A-T); ATAXIA-TELANGIECTASIA, COMPLEMENTATION GROUP A; ATAXIA-TELANGIECTASIA, FRESNO VARIANT; Ataxia-telangiectasia; Ataxia-telangiectasia, complementation group E; LOUIS-BAR SYNDROME. Identifiers: Orphanet 100, MedGen C0004135, MONDO:0008840, OMIM 208900.

Allele frequency attached by ClinVar (database versions not stated): gnomAD exomes below 0.00001.
gnomAD v4.1: 2 of 1,614,092 alleles (0.00012%); highest among the groups gnomAD compares: Non-Finnish European, 0.00017%; no homozygotes.

Submissions (3):

Ambry Genetics
Classification: Likely benign for Hereditary cancer-predisposing syndrome. Last evaluated: 2025-02-05. Review status: criteria provided, single submitter. Criteria: Ambry Variant Classification Scheme 2023. Collection method: clinical testing. Allele origin: germline.

Myriad Genetics, Inc.
Classification: Benign for Familial cancer of breast. Last evaluated: 2024-06-13. Review status: criteria provided, single submitter. Criteria: Myriad Autosomal Dominant, Autosomal Recessive and X-Linked Classification Criteria (2023). Collection method: clinical testing. Allele origin: unknown.
Comment: This variant is considered benign. This variant is a silent/synonymous amino acid change and it is not expected to impact splicing.

Labcorp Genetics (formerly Invitae), Labcorp
Classification: Likely benign for Ataxia-telangiectasia syndrome. Last evaluated: 2020-04-20. Review status: criteria provided, single submitter. Criteria: Invitae Variant Classification Sherloc (09022015). Collection method: clinical testing. Allele origin: germline.